The following is an entry in ClinVar:

NM_004329.3(BMPR1A):c.588T>G (p.Asp196Glu)

Gene: BMPR1A (bone morphogenetic protein receptor type 1A; plus strand). Cytogenetic location: 10q23.2.
Variant type: single nucleotide variant.
Coding change: c.588T>G on transcript NM_004329.3 (MANE Select); coding-DNA position 588, T replaced by G.
Protein change: p.Asp196Glu; replaces aspartic acid 196 with glutamic acid.
Molecular consequence: missense variant.
Genome position (GRCh38, 1-based): chr10:86,912,297, T>G. VCF-style: chr10-86912297-T-G. GRCh37 (hg19) VCF-style: chr10-88672054-T-G.
Other names: short protein forms D196E.
Identifiers: ClinVar variation 1036537 (VCV001036537.9), dbSNP rs1564721952, ClinGen allele CA377454611.

ClinVar aggregate classification (germline): Uncertain significance (1 of 4 stars; one submission).

Conditions:
Juvenile polyposis syndrome (JPS). Identifiers: Orphanet 2929, MedGen C0345893, MONDO:0017380, OMIM 174900.

Submission:

Labcorp Genetics (formerly Invitae), Labcorp
Classification: Uncertain significance for Juvenile polyposis syndrome. Last evaluated: 2020-07-21. Review status: criteria provided, single submitter. Criteria: Invitae Variant Classification Sherloc (09022015). Collection method: clinical testing. Allele origin: germline.
Comment: This variant is not present in population databases (ExAC no frequency). This variant has not been reported in the literature in individuals with BMPR1A-related conditions. This sequence change replaces aspartic acid with glutamic acid at codon 196 of the BMPR1A protein (p.Asp196Glu). The aspartic acid residue is moderately conserved and there is a small physicochemical difference between aspartic acid and glutamic acid. In summary, the available evidence is currently insufficient to determine the role of this variant in disease. Therefore, it has been classified as a Variant of Uncertain Significance. Advanced modeling of protein sequence and biophysical properties (such as structural, functional, and spatial information, amino acid conservation, physicochemical variation, residue mobility, and thermodynamic stability) performed at Invitae indicates that this missense variant is not expected to disrupt BMPR1A protein function.